The following is an entry in ClinVar:

ClinVar aggregate classification (germline): Uncertain significance (1 of 4 stars; one submission).

Conditions:
Chopra-Amiel-Gordon syndrome (CAGS). Also called: ANKRD17-Related Neurodevelopmental Syndrome. Identifiers: MedGen C5561975, MONDO:0859186, OMIM 619504.

Submission:

Pittsburgh Clinical Genomics Laboratory, University of Pittsburgh Medical Center
Classification: Uncertain significance for Chopra-Amiel-Gordon syndrome. Last evaluated: 2024-06-26. Review status: criteria provided, single submitter. Criteria: ACMG Guidelines, 2015. Collection method: clinical testing. Allele origin: germline. Inheritance: Autosomal dominant inheritance. Affected: yes.
Comment: This sequence variant is a single nucleotide substitution (A>G) at position 665 of the coding sequence of the ANKRD17 gene that results in an asparagine to serine amino acid change at residue 222 of the ankyrin repeat domain 17 protein. This novel, de novo variant is absent from ClinVar, the gnomAD v4.1.0 population database (0 of approximately 1,550,000 alleles), and has not been observed in an individual with an ANKRD17-related disorder in the published literature, to our knowledge. Multiple bioinformatic tools predict that this amino acid change would be damaging, and the Asn222 residue at this position is highly conserved across the vertebrate species examined. Studies examining the functional consequence of this variant have not been published, to our knowledge. At this time, there is insufficient evidence to determine if this variant is pathogenic or benign. Therefore, we consider this a variant of uncertain significance. ACMG Criteria: PM2, PP3

NM_032217.5(ANKRD17):c.1004A>G (p.Asn335Ser)

Gene: ANKRD17 (ankyrin repeat domain 17; minus strand). Cytogenetic location: 4q13.3.
Variant type: single nucleotide variant.
Coding change: c.1004A>G on transcript NM_032217.5 (MANE Select); coding-DNA position 1004, A replaced by G.
Protein change: p.Asn335Ser; replaces asparagine 335 with serine.
Molecular consequence: missense variant.
Genome position (GRCh38, 1-based): chr4:73,154,110, T>C on the plus strand (A>G on the coding strand, the complement: ANKRD17 is on the minus strand). VCF-style: chr4-73154110-T-C. GRCh37 (hg19) VCF-style: chr4-74019827-T-C.
Other names: c.665A>G, p.Asn222Ser (NM_001286771.3); c.1004A>G, p.Asn335Ser (NM_015574.2, NM_198889.3); short protein forms N222S, N335S.
Identifiers: ClinVar variation 3376372 (VCV003376372.1).